The following is an entry in ClinVar:

NM_000488.4(SERPINC1):c.662G>C (p.Trp221Ser)

Gene: SERPINC1 (serpin family C member 1; minus strand). Cytogenetic location: 1q25.1.
Variant type: single nucleotide variant.
Coding change: c.662G>C on transcript NM_000488.4 (MANE Select); coding-DNA position 662, G replaced by C.
Protein change: p.Trp221Ser; replaces tryptophan 221 with serine.
Molecular consequence: missense variant.
Genome position (GRCh38, 1-based): chr1:173,910,854, C>G on the plus strand (G>C on the coding strand, the complement: SERPINC1 is on the minus strand). VCF-style: chr1-173910854-C-G. GRCh37 (hg19) VCF-style: chr1-173879992-C-G.
Other names: c.518G>C, p.Trp173Ser (NM_001365052.2); c.662G>C, p.Trp221Ser (NM_001386302.1, NM_001386304.1, NM_001386305.1); c.743G>C, p.Trp248Ser (NM_001386303.1); c.446G>C, p.Trp149Ser (NM_001386306.1); short protein forms W221S, W173S, W149S, W248S.
Identifiers: ClinVar variation 369838 (VCV000369838.5), dbSNP rs1553218111, ClinGen allele CA343775678.
Genomic context (GRCh38, chr1:173,910,854, plus strand): 5'-TCATTGATGGCTTCCGAGGGAATGACATCGGTGATTCGGCCTTCGGTCTTATTGGACACC[C>G]ATTTGTTGATGGCCGCTCTGGATTGCTCTGCATTTTCCTGAGGAGAACAGAAAATAAACC-3'
Protein context (NP_000479.1, residues 211-231): AEQSRAAINK[Trp221Ser]VSNKTEGRIT

ClinVar aggregate classification (germline): Uncertain significance (0 of 4 stars; one submission).

Conditions:
Hereditary antithrombin deficiency (AT3D). Also called: Antithrombin III deficiency; Thrombophilia due to antithrombin III deficiency; Reduced antithrombin III activity; Antithrombin deficiency. Identifiers: Orphanet 82, MedGen C0272375, MONDO:0013144, OMIM 613118, HP:0001976.

Submission:

Petrovsky National Research Centre of Surgery, The Federal Agency for Scientific Organizations
Classification: Uncertain significance for Hereditary antithrombin deficiency; thrombophilia due to antithrombin III deficiency. Last evaluated: 2020-04-06. Review status: no assertion criteria provided. Collection method: research. Allele origin: germline. Inheritance: Autosomal dominant inheritance. Affected: yes. Observed: 2 variant alleles.
Comment: The c.662 G>C (p.W221S) variant was absent from open-access databases - Exome Sequencing Project, 1000 Genomes, ExAC (PM2 criterion is applicable). Multiple in silico resources (PolyPhen2, Mutation Taster, and SIFT) characterize c.662 G>C (p.W221S) variant as probably damaging (PP3 criterion); no possible splicing effect was detected. We assume that PP4 criterion is also applicable because clinical findings in our patient are specific for hereditary AT deficiency which is a monogenic disorder. According to NetNGlyc 1.0 Server prediction, p.W221S variant could create an additional glycosylation site. However, according to NGlycPred Server prediction, the newly created 219-221 glycosilation site will not be glycosilated. Based on all the evidence and on the combination of criteria (PM2 + PP1, PP3, PP4), we classify c.662 G>C (p.W221S) variant as a variant of uncertain clinical significance.

Literature cited by the submitters: DOI 10.1186/s12881-020-01001-5.